The following is an entry in ClinVar:

ClinVar aggregate classification (germline): Uncertain significance (1 of 4 stars; one submission).

Conditions:
Long QT syndrome (LQTS). Identifiers: MedGen C0023976, MeSH D008133, MONDO:0002442. Disease mechanism: loss of function. Inheritance: Various modes of inheritance.

Submission:

Labcorp Genetics (formerly Invitae), Labcorp
Classification: Uncertain significance for Long QT syndrome. Last evaluated: 2022-10-14. Review status: criteria provided, single submitter. Criteria: Invitae Variant Classification Sherloc (09022015). Collection method: clinical testing. Allele origin: germline.
Comment: This variant is not present in population databases (gnomAD no frequency). This sequence change replaces alanine, which is neutral and non-polar, with serine, which is neutral and polar, at codon 190 of the KCNH2 protein (p.Ala190Ser). This variant has not been reported in the literature in individuals affected with KCNH2-related conditions. Algorithms developed to predict the effect of missense changes on protein structure and function (SIFT, PolyPhen-2, Align-GVGD) all suggest that this variant is likely to be tolerated. In summary, the available evidence is currently insufficient to determine the role of this variant in disease. Therefore, it has been classified as a Variant of Uncertain Significance.

NM_000238.4(KCNH2):c.568G>T (p.Ala190Ser)

Gene: KCNH2 (potassium voltage-gated channel subfamily H member 2; minus strand). Cytogenetic location: 7q36.1.
Variant type: single nucleotide variant.
Coding change: c.568G>T on transcript NM_000238.4 (MANE Select); coding-DNA position 568, G replaced by T.
Protein change: p.Ala190Ser; replaces alanine 190 with serine.
Molecular consequence: missense variant.
Genome position (GRCh38, 1-based): chr7:150,958,407, C>A on the plus strand (G>T on the coding strand, the complement: KCNH2 is on the minus strand). VCF-style: chr7-150958407-C-A. GRCh37 (hg19) VCF-style: chr7-150655495-C-A.
Other names: c.280G>T, p.Ala94Ser (NM_001406753.1, NM_001406756.1); c.391G>T, p.Ala131Ser (NM_001406755.1); c.268G>T, p.Ala90Ser (NM_001406757.1); c.568G>T, p.Ala190Ser (NM_172056.3); short protein forms A131S, A190S, A94S, A90S.
Identifiers: ClinVar variation 2086964 (VCV002086964.4), dbSNP rs150817714, ClinGen allele CA369863280.